The following is an entry in ClinVar:

ClinVar aggregate classification (germline): Uncertain significance (1 of 4 stars; one submission).

Conditions:
Inborn genetic diseases. Identifiers: MedGen C0950123, MeSH D030342.

Submission:

Ambry Genetics
Classification: Uncertain significance for Inborn genetic diseases. Last evaluated: 2024-02-09. Review status: criteria provided, single submitter. Criteria: Ambry Variant Classification Scheme 2023. Collection method: clinical testing. Allele origin: germline.
Comment: The p.P329T variant (also known as c.985C>A), located in coding exon 8 of the EPAS1 gene, results from a C to A substitution at nucleotide position 985. The proline at codon 329 is replaced by threonine, an amino acid with highly similar properties. This amino acid position is conserved. In addition, this alteration is predicted to be tolerated by in silico analysis. Based on the available evidence, the clinical significance of this alteration remains unclear.

NM_001430.5(EPAS1):c.985C>A (p.Pro329Thr)

Gene: EPAS1 (endothelial PAS domain protein 1; plus strand). Cytogenetic location: 2p21.
Variant type: single nucleotide variant.
Coding change: c.985C>A on transcript NM_001430.5 (MANE Select); coding-DNA position 985, C replaced by A.
Protein change: p.Pro329Thr; replaces proline 329 with threonine.
Molecular consequence: missense variant.
Genome position (GRCh38, 1-based): chr2:46,375,788, C>A. VCF-style: chr2-46375788-C-A. GRCh37 (hg19) VCF-style: chr2-46602927-C-A.
Other names: short protein forms P329T.
Identifiers: ClinVar variation 3221685 (VCV003221685.1), dbSNP rs781173090, ClinGen allele CA346702906.